The following is an entry in ClinVar:

ClinVar aggregate classification (germline): Uncertain significance (1 of 4 stars; one submission).

Submission:

Labcorp Genetics (formerly Invitae), Labcorp
Classification: Uncertain significance. Last evaluated: 2025-10-01. Review status: criteria provided, single submitter. Criteria: Invitae Variant Classification Sherloc (09022015). Collection method: clinical testing. Allele origin: germline.
Comment: This sequence change replaces valine, which is neutral and non-polar, with leucine, which is neutral and non-polar, at codon 796 of the TAOK2 protein (p.Val796Leu). This variant is not present in population databases (gnomAD no frequency). This variant has not been reported in the literature in individuals affected with TAOK2-related conditions. An algorithm developed to predict the effect of missense changes on protein structure and function (PolyPhen-2) suggests that this variant is likely to be tolerated. In summary, the available evidence is currently insufficient to determine the role of this variant in disease. Therefore, it has been classified as a Variant of Uncertain Significance.

NM_016151.4(TAOK2):c.2386G>C (p.Val796Leu)

Gene: TAOK2 (TAO kinase 2; plus strand). Cytogenetic location: 16p11.2.
Variant type: single nucleotide variant.
Coding change: c.2386G>C on transcript NM_016151.4 (MANE Select); coding-DNA position 2386, G replaced by C.
Protein change: p.Val796Leu; replaces valine 796 with leucine.
Molecular consequence: missense variant. On other transcripts: intron variant (2).
Genome position (GRCh38, 1-based): chr16:29,986,658, G>C. VCF-style: chr16-29986658-G-C. GRCh37 (hg19) VCF-style: chr16-29997979-G-C.
Other names: c.2232+154G>C (NM_004783.4, NM_001252043.2); short protein forms V796L.
Identifiers: ClinVar variation 4728290 (VCV004728290.1).